The following is an entry in ClinVar:

NM_007118.4(TRIO):c.3032_3033delinsTT (p.Asn1011Ile)

Gene: TRIO (trio Rho guanine nucleotide exchange factor; plus strand). Cytogenetic location: 5p15.2.
Variant type: Indel.
Coding change: c.3032_3033delinsTT on transcript NM_007118.4 (MANE Select); coding-DNA positions 3032 to 3033, AC replaced by TT.
Protein change: p.Asn1011Ile; replaces asparagine 1011 with isoleucine.
Molecular consequence: missense variant. On other transcripts: non-coding transcript variant (1).
Genome position (GRCh38, 1-based): chr5:14,368,865-14,368,866, AC replaced by TT. VCF-style: chr5-14368865-AC-TT. GRCh37 (hg19) VCF-style: chr5-14368974-AC-TT.
Other names: short protein forms N1011I.
Identifiers: ClinVar variation 5002198 (VCV005002198.1).

ClinVar aggregate classification (germline): Uncertain significance (1 of 4 stars; one submission).

Conditions:
TRIO-related disorder. Also called: TRIO-related disorders; TRIO-related condition.

Submission:

PreventionGenetics, part of Exact Sciences
Classification: Uncertain significance for TRIO-related condition. Last evaluated: 2025-06-11. Review status: criteria provided, single submitter. Criteria: ACMG Guidelines, 2015. Collection method: clinical testing. Allele origin: germline.
Comment: The TRIO c.3032_3033delinsTT variant is predicted to result in an in-frame deletion and insertion. To our knowledge, this variant has not been reported in the literature or in a large population database (gnomAD), indicating this variant is rare. At this time, the clinical significance of this variant is uncertain due to the absence of conclusive functional and genetic evidence.